The following is an entry in ClinVar:

ClinVar aggregate classification (germline): Uncertain significance (1 of 4 stars; one submission).

Conditions:
Deficiency of hyaluronoglucosaminidase (MPS9). Also called: MPS IX; Mucopolysaccharidosis type 9; HYALURONIDASE DEFICIENCY. Identifiers: Orphanet 67041, MedGen C1291490, MONDO:0011093, OMIM 601492.

Allele frequency attached by ClinVar (database versions not stated): gnomAD exomes below 0.00001.
gnomAD v4.1: 2 of 1,613,990 alleles (0.00012%); highest among the groups gnomAD compares: Non-Finnish European, 0.000085%; no homozygotes.

Submission:

Labcorp Genetics (formerly Invitae), Labcorp
Classification: Uncertain significance for Deficiency of hyaluronoglucosaminidase. Last evaluated: 2024-04-22. Review status: criteria provided, single submitter. Criteria: Invitae Variant Classification Sherloc (09022015). Collection method: clinical testing. Allele origin: germline.
Comment: This sequence change replaces serine, which is neutral and polar, with isoleucine, which is neutral and non-polar, at codon 76 of the HYAL1 protein (p.Ser76Ile). This variant is present in population databases (no rsID available, gnomAD 0.007%). This variant has not been reported in the literature in individuals affected with HYAL1-related conditions. ClinVar contains an entry for this variant (Variation ID: 1516450). An algorithm developed to predict the effect of missense changes on protein structure and function (PolyPhen-2) suggests that this variant is likely to be disruptive. Algorithms developed to predict the effect of sequence changes on RNA splicing suggest that this variant may create or strengthen a splice site. In summary, the available evidence is currently insufficient to determine the role of this variant in disease. Therefore, it has been classified as a Variant of Uncertain Significance.

NM_033159.4(HYAL1):c.227G>T (p.Ser76Ile)

Gene: HYAL1 (hyaluronidase 1; minus strand). Cytogenetic location: 3p21.31.
Variant type: single nucleotide variant.
Coding change: c.227G>T on transcript NM_033159.4 (MANE Select); coding-DNA position 227, G replaced by T.
Protein change: p.Ser76Ile; replaces serine 76 with isoleucine.
Molecular consequence: missense variant. On other transcripts: non-coding transcript variant (1), intron variant (2).
Genome position (GRCh38, 1-based): chr3:50,302,730, C>A on the plus strand (G>T on the coding strand, the complement: HYAL1 is on the minus strand). VCF-style: chr3-50302730-C-A. GRCh37 (hg19) VCF-style: chr3-50340161-C-A.
Other names: c.227G>T, p.Ser76Ile (NM_153281.2, NM_153282.3); c.-26-525G>T (NM_153285.3); c.-213-107G>T (NM_153283.3); short protein forms S76I.
Identifiers: ClinVar variation 1516450 (VCV001516450.8), dbSNP rs1221211075, ClinGen allele CA352896171.
Genomic context (GRCh38, chr3:50,302,730, plus strand): 5'-AGACCACCAAACACAGGCTCCCCAGTGGGCGTGTAGTAGGGGTAGGTGCCCAGCTGGGAG[C>A]TATAGAAAATTGTCATGTCAGGGCCGCGGAAGGTCTGCCCTGGGTTGGCTACCACATCGA-3'
Protein context (NP_149349.2, residues 66-86): FRGPDMTIFY[Ser76Ile]SQLGTYPYYT